The following is an entry in ClinVar:

NM_020693.4(DSCAML1):c.3451C>G (p.Arg1151Gly)

Gene: DSCAML1 (DS cell adhesion molecule like 1; minus strand). Cytogenetic location: 11q23.3.
Variant type: single nucleotide variant.
Coding change: c.3451C>G on transcript NM_020693.4 (MANE Select); coding-DNA position 3451, C replaced by G.
Protein change: p.Arg1151Gly; replaces arginine 1151 with glycine.
Molecular consequence: missense variant.
Genome position (GRCh38, 1-based): chr11:117,458,871, G>C on the plus strand (C>G on the coding strand, the complement: DSCAML1 is on the minus strand). VCF-style: chr11-117458871-G-C. GRCh37 (hg19) VCF-style: chr11-117329587-G-C.
Other names: short protein forms R1151G.
Identifiers: ClinVar variation 2728089 (VCV002728089.3), dbSNP rs572720930, ClinGen allele CA382734395.
Genomic context (GRCh38, chr11:117,458,871, plus strand): 5'-TGTAGGCCAGCACCTGGACGCTGTAGTTGGTGAACTTCTCCATGCCCCGCAGCTCCACCC[G>C]CTCCCGCGTGGTGGTGATGTTCTGCATCTCGCCCCACTCTGCCAGAGACCAGCAAACTCT-3'
Protein context (NP_065744.3, residues 1141-1161): EMQNITTTRE[Arg1151Gly]VELRGMEKFT

ClinVar aggregate classification (germline): Uncertain significance (1 of 4 stars; one submission).

Submission:

Labcorp Genetics (formerly Invitae), Labcorp
Classification: Uncertain significance. Last evaluated: 2023-11-13. Review status: criteria provided, single submitter. Criteria: Invitae Variant Classification Sherloc (09022015). Collection method: clinical testing. Allele origin: germline.
Comment: This sequence change replaces arginine, which is basic and polar, with glycine, which is neutral and non-polar, at codon 1211 of the DSCAML1 protein (p.Arg1211Gly). This variant is not present in population databases (gnomAD no frequency). This variant has not been reported in the literature in individuals affected with DSCAML1-related conditions. An algorithm developed to predict the effect of missense changes on protein structure and function (PolyPhen-2) suggests that this variant is likely to be tolerated. In summary, the available evidence is currently insufficient to determine the role of this variant in disease. Therefore, it has been classified as a Variant of Uncertain Significance.